The following is an entry in ClinVar:

ClinVar aggregate classification (germline): Uncertain significance (1 of 4 stars; one submission).

Submission:

Labcorp Genetics (formerly Invitae), Labcorp
Classification: Uncertain significance. Last evaluated: 2022-07-06. Review status: criteria provided, single submitter. Criteria: Invitae Variant Classification Sherloc (09022015). Collection method: clinical testing. Allele origin: germline.
Comment: In summary, the available evidence is currently insufficient to determine the role of this variant in disease. Therefore, it has been classified as a Variant of Uncertain Significance. Algorithms developed to predict the effect of missense changes on protein structure and function (SIFT, PolyPhen-2, Align-GVGD) all suggest that this variant is likely to be tolerated. This variant has not been reported in the literature in individuals affected with TMC1-related conditions. This variant is not present in population databases (gnomAD no frequency). This sequence change replaces aspartic acid, which is acidic and polar, with glutamic acid, which is acidic and polar, at codon 463 of the TMC1 protein (p.Asp463Glu).

NM_138691.3(TMC1):c.1389T>A (p.Asp463Glu)

Gene: TMC1 (transmembrane channel like 1; plus strand). Cytogenetic location: 9q21.13.
Variant type: single nucleotide variant.
Coding change: c.1389T>A on transcript NM_138691.3 (MANE Select); coding-DNA position 1389, T replaced by A.
Protein change: p.Asp463Glu; replaces aspartic acid 463 with glutamic acid.
Molecular consequence: missense variant.
Genome position (GRCh38, 1-based): chr9:72,792,050, T>A. VCF-style: chr9-72792050-T-A. GRCh37 (hg19) VCF-style: chr9-75406966-T-A.
Other names: short protein forms D463E.
Identifiers: ClinVar variation 2014643 (VCV002014643.4), dbSNP rs2489926521, ClinGen allele CA373506592.